The following is an entry in ClinVar:

NM_018979.4(WNK1):c.4384G>A (p.Gly1462Ser)

Gene: WNK1 (WNK lysine deficient protein kinase 1; plus strand). Cytogenetic location: 12p13.33.
Variant type: single nucleotide variant.
Coding change: c.4384G>A on transcript NM_018979.4 (MANE Select); coding-DNA position 4384, G replaced by A.
Protein change: p.Gly1462Ser; replaces glycine 1462 with serine.
Molecular consequence: missense variant.
Genome position (GRCh38, 1-based): chr12:885,188, G>A. VCF-style: chr12-885188-G-A. GRCh37 (hg19) VCF-style: chr12-994354-G-A.
Other names: c.5164G>A, p.Gly1722Ser (NM_001184985.2); c.3643G>A, p.Gly1215Ser (NM_014823.3); c.5140G>A, p.Gly1714Ser (NM_213655.5); short protein forms G1714S, G1722S, G1215S, G1462S.
Identifiers: ClinVar variation 651918 (VCV000651918.8), dbSNP rs368621387, ClinGen allele CA383331117.
Genomic context (GRCh38, chr12:885,188, plus strand): 5'-GTTTCTAGTACAGCACTGTATCCTTCAGTAACAGTTTCAGCAACTTCAGCCTCTGCAGGG[G>A]GCAGTACTGCTACCCCAGGTCCTAAGCCTCCAGCTGTAGTATCTCAGCAGGCAGCAGGCA-3'
Protein context (NP_061852.3, residues 1452-1472): TVSATSASAG[Gly1462Ser]STATPGPKPP

ClinVar aggregate classification (germline): Uncertain significance (1 of 4 stars; one submission).

Conditions:
Pseudohypoaldosteronism type 2C (PHA2C). Also called: Pseudohypoaldosteronism Type IIC. Identifiers: Orphanet 757, Orphanet 88940, MedGen C1840391, MONDO:0013778, OMIM 614492.
Neuropathy, hereditary sensory and autonomic, type 2A (HSAN2A). Also called: ACROOSTEOLYSIS, GIACCAI TYPE; ACROOSTEOLYSIS, NEUROGENIC; HSAN IIA; WNK1-Related HSAN2 (HSAN2A); MORVAN DISEASE; NEUROPATHY, CONGENITAL SENSORY. Identifiers: Orphanet 970, MedGen C2752089, MONDO:0024309, OMIM 201300.

gnomAD v4.1: 2 of 1,614,124 alleles (0.00012%); highest among the groups gnomAD compares: South Asian, 0.0011%; no homozygotes.

Submission:

Labcorp Genetics (formerly Invitae), Labcorp
Classification: Uncertain significance for Neuropathy, hereditary sensory and autonomic, type 2A; Pseudohypoaldosteronism type 2C. Last evaluated: 2022-10-25. Review status: criteria provided, single submitter. Criteria: Invitae Variant Classification Sherloc (09022015). Collection method: clinical testing. Allele origin: germline.
Comment: In summary, the available evidence is currently insufficient to determine the role of this variant in disease. Therefore, it has been classified as a Variant of Uncertain Significance. Advanced modeling of protein sequence and biophysical properties (such as structural, functional, and spatial information, amino acid conservation, physicochemical variation, residue mobility, and thermodynamic stability) performed at Invitae indicates that this missense variant is not expected to disrupt WNK1 protein function. ClinVar contains an entry for this variant (Variation ID: 651918). This variant has not been reported in the literature in individuals affected with WNK1-related conditions. This variant is not present in population databases (gnomAD no frequency). This sequence change replaces glycine, which is neutral and non-polar, with serine, which is neutral and polar, at codon 1462 of the WNK1 protein (p.Gly1462Ser).